The following is an entry in ClinVar:

NM_005458.8(GABBR2):c.493G>T (p.Asp165Tyr)

Gene: GABBR2 (gamma-aminobutyric acid type B receptor subunit 2; minus strand). Cytogenetic location: 9q22.33.
Variant type: single nucleotide variant.
Coding change: c.493G>T on transcript NM_005458.8 (MANE Select); coding-DNA position 493, G replaced by T.
Protein change: p.Asp165Tyr; replaces aspartic acid 165 with tyrosine.
Molecular consequence: missense variant.
Genome position (GRCh38, 1-based): chr9:98,542,010, C>A on the plus strand (G>T on the coding strand, the complement: GABBR2 is on the minus strand). VCF-style: chr9-98542010-C-A. GRCh37 (hg19) VCF-style: chr9-101304292-C-A.
Other names: c.493G>T (NM_005458.7); short protein forms D165Y.
Identifiers: ClinVar variation 1709440 (VCV001709440.3), dbSNP rs1449813941, ClinGen allele CA374351147.

ClinVar aggregate classification (germline): Likely pathogenic. Review status: criteria provided, multiple submitters, no conflicts (2 of 4 stars). 2 submissions from 2 submitters: Likely pathogenic (2). Last evaluated 2021-08-10.

Conditions:
Neurodevelopmental disorder with poor language and loss of hand skills. Identifiers: MedGen C4693546, MONDO:0060659, OMIM 617903.

Submissions (2):

MGZ Medical Genetics Center
Classification: Likely pathogenic for Neurodevelopmental disorder with poor language and loss of hand skills. Last evaluated: 2021-08-10. Review status: criteria provided, single submitter. Criteria: ACMG Guidelines, 2015. Collection method: clinical testing. Allele origin: germline. Affected: yes. Observed: 1 variant allele.
Comment: ACMG criteria applied: PS2, PM1, PM2_SUP, PP2

Clinical Genetics Service, Universitary Hospital 12 de Octubre
Classification: Likely pathogenic for Neurodevelopmental disorder with poor language and loss of hand skills. Review status: criteria provided, single submitter. Criteria: ACMG Guidelines, 2015. Collection method: clinical testing. Allele origin: de novo. Affected: yes.